The following is an entry in ClinVar:

ClinVar aggregate classification (germline): Uncertain significance (1 of 4 stars; one submission).

Conditions:
Congenital muscular dystrophy due to integrin alpha-7 deficiency. Also called: MYOPATHY, CONGENITAL, DUE TO INTEGRIN ALPHA-7 DEFICIENCY; Muscular dystrophy, congenital, due to ITGA7 deficiency; Congenital muscular dystrophy with integrin alpha-7 deficiency. Identifiers: Orphanet 34520, MedGen C2750786, MONDO:0013177, OMIM 613204.

Allele frequency attached by ClinVar (database versions not stated): gnomAD exomes below 0.00001.
gnomAD v4.1: 3 of 1,613,886 alleles (0.00019%); highest among the groups gnomAD compares: Non-Finnish European, 0.00025%; no homozygotes.

Submission:

Labcorp Genetics (formerly Invitae), Labcorp
Classification: Uncertain significance for Congenital muscular dystrophy due to integrin alpha-7 deficiency. Last evaluated: 2022-10-13. Review status: criteria provided, single submitter. Criteria: Invitae Variant Classification Sherloc (09022015). Collection method: clinical testing. Allele origin: germline.
Comment: In summary, the available evidence is currently insufficient to determine the role of this variant in disease. Therefore, it has been classified as a Variant of Uncertain Significance. Advanced modeling of protein sequence and biophysical properties (such as structural, functional, and spatial information, amino acid conservation, physicochemical variation, residue mobility, and thermodynamic stability) performed at Invitae indicates that this missense variant is expected to disrupt ITGA7 protein function. ClinVar contains an entry for this variant (Variation ID: 1524928). This variant has not been reported in the literature in individuals affected with ITGA7-related conditions. This variant is not present in population databases (gnomAD no frequency). This sequence change replaces leucine, which is neutral and non-polar, with proline, which is neutral and non-polar, at codon 713 of the ITGA7 protein (p.Leu713Pro).

NM_002206.3(ITGA7):c.2138T>C (p.Leu713Pro)

Genes: ITGA7 (integrin subunit alpha 7; minus strand), LOC126861535 (CDK7 strongly-dependent group 2 enhancer GRCh37_chr12:56087579-56088778; plus strand). Cytogenetic location: 12q13.2.
Variant type: single nucleotide variant.
Coding change: c.2138T>C on transcript NM_002206.3 (MANE Select); coding-DNA position 2138, T replaced by C.
Protein change: p.Leu713Pro; replaces leucine 713 with proline.
Molecular consequence: missense variant.
Genome position (GRCh38, 1-based): chr12:55,694,836, A>G on the plus strand (T>C on the coding strand, the complement: ITGA7 is on the minus strand). VCF-style: chr12-55694836-A-G. GRCh37 (hg19) VCF-style: chr12-56088620-A-G.
Other names: c.2150T>C, p.Leu717Pro (NM_001144996.2); c.1859T>C, p.Leu620Pro (NM_001144997.2); c.1811T>C, p.Leu604Pro (NM_001367993.1); c.794T>C, p.Leu265Pro (NM_001367994.1); c.2120T>C, p.Leu707Pro (NM_001374465.1); c.2270T>C, p.Leu757Pro (NM_001410977.1); c.2132T>C, p.Leu711Pro (NM_001414029.1); c.2063T>C, p.Leu688Pro (NM_001414030.1); and 4 more; short protein forms L604P, L717P, L265P, L707P, L713P, L620P, L757P, L652P.
Identifiers: ClinVar variation 1524928 (VCV001524928.6), dbSNP rs2136003155, ClinGen allele CA385183949.